The following is an entry in ClinVar:

NM_016145.4(WDR83OS):c.314dup (p.Trp106fs)

Genes: WDR83 (WD repeat domain 83; plus strand), WDR83OS (WD repeat domain 83 opposite strand; minus strand). Cytogenetic location: 19p13.13.
Variant type: Duplication.
Coding change: c.314dup on transcript NM_016145.4 (MANE Select); coding-DNA position 314, one base duplicated (C; older notation c.314dupC).
Protein change: p.Trp106fs; shifts the reading frame from tryptophan 106.
Molecular consequence: frameshift variant. On other transcripts: intron variant (1).
Genome position (GRCh38, 1-based): chr19:12,668,366, G duplicated on the plus strand (C on the coding strand, the reverse complement: WDR83OS is on the minus strand); the first of 5 consecutive G bases (chr19:12,668,366-12,668,370); duplicating any one gives the same sequence. VCF-style (leftmost placement, unchanged base first): chr19-12668365-T-TG. GRCh37 (hg19) VCF-style: chr19-12779179-T-TG.
Other names: c.-156-138dup (NM_001099737.3); short protein forms W106fs.
Identifiers: ClinVar variation 2860632 (VCV002860632.3), dbSNP rs2512523452, ClinGen allele CA2739276593.

ClinVar aggregate classification (germline): Uncertain significance (1 of 4 stars; one submission).

Submission:

Labcorp Genetics (formerly Invitae), Labcorp
Classification: Uncertain significance. Last evaluated: 2023-04-29. Review status: criteria provided, single submitter. Criteria: Invitae Variant Classification Sherloc (09022015). Collection method: clinical testing. Allele origin: germline.
Comment: In summary, the available evidence is currently insufficient to determine the role of this variant in disease. Therefore, it has been classified as a Variant of Uncertain Significance. Experimental studies and prediction algorithms are not available or were not evaluated, and the functional significance of this variant is currently unknown. This variant has not been reported in the literature in individuals affected with WDR83OS-related conditions. This sequence change results in a frameshift in the WDR83OS gene (p.Trp106Metfs*6). While this is not anticipated to result in nonsense mediated decay, it is expected to disrupt the last 1 amino acid(s) of the WDR83OS protein and extend the protein by 4 additional amino acid residues. This variant is not present in population databases (gnomAD no frequency).